The following is an entry in ClinVar:

NM_001034853.2(RPGR):c.920C>A (p.Thr307Lys)

Gene: RPGR (retinitis pigmentosa GTPase regulator; minus strand). Cytogenetic location: Xp11.4.
Variant type: single nucleotide variant.
Coding change: c.920C>A on transcript NM_001034853.2 (MANE Select); coding-DNA position 920, C replaced by A.
Protein change: p.Thr307Lys; replaces threonine 307 with lysine.
Molecular consequence: missense variant. On other transcripts: non-coding transcript variant (5).
Genome position (GRCh38, 1-based): chrX:38,304,649, G>T on the plus strand (C>A on the coding strand, the complement: RPGR is on the minus strand). VCF-style: chrX-38304649-G-T. GRCh37 (hg19) VCF-style: chrX-38163902-G-T.
Other names: NM_001034853.2(RPGR):c.920C>A; p.Thr307Lys; c.920C>A, p.Thr307Lys (NM_000328.3, NM_001367246.1, NM_001367247.1 and 1 more transcripts); c.917C>A, p.Thr306Lys (NM_001367245.1, NM_001367249.1, NM_001367250.1); c.950C>A, p.Thr317Lys (NM_001367248.1); short protein forms T306K, T307K, T317K.
Identifiers: ClinVar variation 1213923 (VCV001213923.2), dbSNP rs2147247612, ClinGen allele CA412741161.
Genomic context (GRCh38, chrX:38,304,649, plus strand): 5'-AATATACCCAGTTCTATAAATATATAACAGAAATTCTAATCCATACCTGTTATCAAAGCT[G>T]TGTGATTTTCTCCACAAGAAATATAACTTATTGTTTGATCCCTAATATTCTCAATGACTT-3'
Protein context (NP_001030025.1, residues 297-317): ISYISCGENH[Thr307Lys]ALITDIGLMY

ClinVar aggregate classification (germline): Uncertain significance. Review status: reviewed by expert panel (3 of 4 stars). 2 submissions from 2 submitters: Uncertain significance (1). 1 of the submissions does not count toward it. Last evaluated 2025-05-20.

Conditions:
RPGR-related retinopathy. Also called: RPGR retinopathy. Identifiers: MedGen CN305589, MONDO:0100437.
Retinitis pigmentosa 3. Also called: CHOROIDORETINAL DEGENERATION WITH RETINAL REFLEX IN HETEROZYGOUS WOMEN. Identifiers: Orphanet 791, MedGen C1845667, MONDO:0010227, OMIM 300029.

Submissions (2):

ClinGen X-linked Inherited Retinal Disease Variant Curation Expert Panel, ClinGen
Classification: Uncertain significance for RPGR-related retinopathy. Last evaluated: 2025-05-20. Review status: reviewed by expert panel. Criteria: ClinGen X LinkedIRD ACMG Specifications RPGR V1.0.0. Collection method: curation. Allele origin: germline. Inheritance: X-linked inheritance.
Comment: NM_001034853.2(RPGR):c.920C>A (p.Thr307Lys) is a missense variant encoding substitution of threonine with lysine at amino acid 307. This variant is absent from hemizygous individuals in gnomAD v4.1.0 (PM2_supporting). The computational predictor REVEL gives a score of 0.909, which is between the ClinGen X-linked IRD VCEP thresholds of 0.773 and 0.931 and predicts a damaging effect on RPGR function (PP3_moderate). The splicing impact predictor SpliceAI gives a score of 0.02, which is below the ClinGen X-linked IRD VCEP recommended threshold of ≥0.2 and does not strongly predict an impact on splicing. This variant has been reported in at least 1 proband, however, the patient was diagnosed with primary ciliary dyskinesia (PCD) and no visual testing was done (PMID: 32253119), so PS4_Supporting was not met. In summary, this variant meets the criteria to be classified as a variant of uncertain significance for RPGR-related retinopathy based on the ClinGen X-linked Inherited Retinal Disease Expert Panel Specifications to the ACMG/AMP Variant Interpretation Guidelines for RPGR Version 1.0.0; PM2_supporting and PP3_moderate. (date of approval 05/16/2025).

DBGen Ocular Genomics
Classification: Uncertain significance for Retinitis pigmentosa 3. Last evaluated: 2021-06-22. Review status: criteria provided, single submitter. Criteria: ACMG Guidelines, 2015. Collection method: clinical testing. Allele origin: germline. Affected: yes. Observed: 1 variant allele. Not counted in ClinVar's aggregate classification.